The following is an entry in ClinVar:

NM_001374736.1(DST):c.20871A>G (p.Gln6957=)

Gene: DST (dystonin; minus strand). Cytogenetic location: 6p12.1.
Variant type: single nucleotide variant.
Coding change: c.20871A>G on transcript NM_001374736.1 (MANE Select); coding-DNA position 20871, A replaced by G.
Protein change: p.Gln6957=; no amino-acid change (glutamine 6957 retained).
Molecular consequence: synonymous variant.
Genome position (GRCh38, 1-based): chr6:56,489,496, T>C on the plus strand (A>G on the coding strand, the complement: DST is on the minus strand). VCF-style: chr6-56489496-T-C. GRCh37 (hg19) VCF-style: chr6-56354294-T-C.
Other names: c.14514A>G, p.Gln4838= (NM_001144769.5); c.14100A>G, p.Gln4700= (NM_001144770.2); c.20871A>G, p.Gln6957= (NM_001374722.1); c.19911A>G, p.Gln6637= (NM_001374729.1); c.13653A>G, p.Gln4551= (NM_001374730.1); c.20898A>G, p.Gln6966= (NM_001374734.1); c.13980A>G, p.Gln4660= (NM_001386100.1, NM_183380.4); c.13002A>G, p.Gln4334= (NM_015548.5).
Identifiers: ClinVar variation 798478 (VCV000798478.13), dbSNP rs572477548, ClinGen allele CA3866649.

ClinVar aggregate classification (germline): Benign. Review status: criteria provided, multiple submitters, no conflicts (2 of 4 stars). 2 submissions from 2 submitters: Benign (2). Last evaluated 2026-04-29.

Conditions:
DST-related disorder. Also called: DST-related condition; DST-related disorders.
Hereditary sensory and autonomic neuropathy type 6. Also called: HSAN VI; Neuropathy, hereditary sensory and autonomic, type VI. Identifiers: Orphanet 314381, MedGen C3539003, MONDO:0013839, OMIM 614653.
Epidermolysis bullosa simplex 3, localized or generalized intermediate, with BP230 deficiency (EBS3). Also called: Epidermolysis bullosa simplex, autosomal recessive 2; Epidermolysis bullosa simplex due to BP230 deficiency. Identifiers: Orphanet 412181, MedGen C3809470, MONDO:0014180, OMIM 615425.

Allele frequency attached by ClinVar (database versions not stated): gnomAD below 0.00001 and 0.00023; TOPMed 0.00005; gnomAD exomes 0.00043 and 0.00094; ExAC 0.00102; 1000 Genomes Project 30x 0.00203; 1000 Genomes Project 0.00260.
gnomAD v4.1: 662 of 1,612,090 alleles (0.041%); highest among the groups gnomAD compares: South Asian, 0.69%; 14 homozygotes.

Submissions (2):

PreventionGenetics, part of Exact Sciences
Classification: Benign for DST-related condition. Last evaluated: 2026-04-29. Review status: criteria provided, single submitter. Criteria: ACMG Guidelines, 2015. Collection method: clinical testing. Allele origin: germline.
Comment: This variant is classified as benign based on ACMG/AMP sequence variant interpretation guidelines (Richards et al. 2015 PMID: 25741868, with internal and published modifications).

Labcorp Genetics (formerly Invitae), Labcorp
Classification: Benign for Epidermolysis bullosa simplex 3, localized or generalized intermediate, with BP230 deficiency; Hereditary sensory and autonomic neuropathy type 6. Last evaluated: 2025-09-02. Review status: criteria provided, single submitter. Criteria: Invitae Variant Classification Sherloc (09022015). Collection method: clinical testing. Allele origin: germline.